The following is an entry in ClinVar:

ClinVar aggregate classification (germline): Likely pathogenic (1 of 4 stars; one submission).

Conditions:
Catecholaminergic polymorphic ventricular tachycardia 1. Also called: RYR2-Related Catecholaminergic Polymorphic Ventricular Tachycardia; VENTRICULAR TACHYCARDIA, CATECHOLAMINERGIC POLYMORPHIC, 1, WITH OR WITHOUT ATRIAL DYSFUNCTION AND/OR DILATED CARDIOMYOPATHY; VENTRICULAR TACHYCARDIA, STRESS-INDUCED POLYMORPHIC 1. Identifiers: Orphanet 3286, MedGen C1631597, MONDO:0011484, OMIM 604772.

Submission:

Labcorp Genetics (formerly Invitae), Labcorp
Classification: Likely pathogenic for Catecholaminergic polymorphic ventricular tachycardia 1. Last evaluated: 2022-02-04. Review status: criteria provided, single submitter. Criteria: Invitae Variant Classification Sherloc (09022015). Collection method: clinical testing. Allele origin: germline.
Comment: In summary, the currently available evidence indicates that the variant is pathogenic, but additional data are needed to prove that conclusively. Therefore, this variant has been classified as Likely Pathogenic. This variant disrupts the p.Cys4193 amino acid residue in RYR2. Other variant(s) that disrupt this residue have been determined to be pathogenic (PMID: 26114861). This suggests that this residue is clinically significant, and that variants that disrupt this residue are likely to be disease-causing. Advanced modeling of protein sequence and biophysical properties (such as structural, functional, and spatial information, amino acid conservation, physicochemical variation, residue mobility, and thermodynamic stability) performed at Invitae indicates that this missense variant is expected to disrupt RYR2 protein function. ClinVar contains an entry for this variant (Variation ID: 656745). This variant has not been reported in the literature in individuals affected with RYR2-related conditions. This variant is not present in population databases (gnomAD no frequency). This sequence change replaces cysteine, which is neutral and slightly polar, with tyrosine, which is neutral and polar, at codon 4193 of the RYR2 protein (p.Cys4193Tyr).

Literature cited by the submitters: PubMed 26114861.

NM_001035.3(RYR2):c.12578G>A (p.Cys4193Tyr)

Genes: RYR2 (ryanodine receptor 2; plus strand), LOC126806068 (BRD4-independent group 4 enhancer GRCh37_chr1:237947411-237948610; plus strand). Cytogenetic location: 1q43.
Variant type: single nucleotide variant.
Coding change: c.12578G>A on transcript NM_001035.3 (MANE Select); coding-DNA position 12578, G replaced by A.
Protein change: p.Cys4193Tyr; replaces cysteine 4193 with tyrosine.
Molecular consequence: missense variant.
Genome position (GRCh38, 1-based): chr1:237,784,290, G>A. VCF-style: chr1-237784290-G-A. GRCh37 (hg19) VCF-style: chr1-237947590-G-A.
Other names: c.12578G>A, p.Cys4193Tyr (LRG_402t1); short protein forms C4193Y.
Identifiers: ClinVar variation 656745 (VCV000656745.12), dbSNP rs1573935244, ClinGen allele CA345413668.